The following is an entry in ClinVar:

NM_032813.5(TMTC4):c.1444G>A (p.Glu482Lys)

Gene: TMTC4 (transmembrane O-mannosyltransferase targeting cadherins 4; minus strand). Cytogenetic location: 13q32.3.
Variant type: single nucleotide variant.
Coding change: c.1444G>A on transcript NM_032813.5 (MANE Select); coding-DNA position 1444, G replaced by A.
Protein change: p.Glu482Lys; replaces glutamic acid 482 with lysine.
Molecular consequence: missense variant. On other transcripts: non-coding transcript variant (1).
Genome position (GRCh38, 1-based): chr13:100,634,867, C>T on the plus strand (G>A on the coding strand, the complement: TMTC4 is on the minus strand). VCF-style: chr13-100634867-C-T. GRCh37 (hg19) VCF-style: chr13-101287121-C-T.
Other names: c.1618G>A (NM_001350571.1); c.1387G>A, p.Glu463Lys (NM_001079669.4, NM_001350572.2); c.1054G>A, p.Glu352Lys (NM_001286453.3); c.1618G>A, p.Glu540Lys (NM_001350571.2); c.1561G>A, p.Glu521Lys (NM_001350574.2); c.1438G>A, p.Glu480Lys (NM_001350576.2); c.1381G>A, p.Glu461Lys (NM_001350577.2); short protein forms E352K, E521K, E461K, E463K, E482K, E540K, E480K.
Identifiers: ClinVar variation 3180065 (VCV003180065.2), dbSNP rs200123023, ClinGen allele CA7034319.

ClinVar aggregate classification (germline): Conflicting classifications of pathogenicity. Review status: criteria provided, conflicting classifications (1 of 4 stars). 2 submissions from 2 submitters: Uncertain significance (1); Likely benign (1). Last evaluated 2025-09-26.

Conditions:
TMTC4-related condition.

Allele frequency attached by ClinVar (database versions not stated): ESP Exome Variant Server 0.00008; gnomAD 0.00009; gnomAD exomes 0.00011; TOPMed 0.00013; ExAC 0.00014.

Submissions (2):

PreventionGenetics, part of Exact Sciences
Classification: Likely benign for TMTC4-related condition. Last evaluated: 2025-09-26. Review status: criteria provided, single submitter. Criteria: ACMG Guidelines, 2015. Collection method: clinical testing. Allele origin: germline.
Comment: This variant is classified as likely benign based on ACMG/AMP sequence variant interpretation guidelines (Richards et al. 2015 PMID: 25741868, with internal and published modifications).

Ambry Genetics
Classification: Uncertain significance. Last evaluated: 2023-09-22. Review status: criteria provided, single submitter. Criteria: Ambry Variant Classification Scheme 2023. Collection method: clinical testing. Allele origin: germline.